The following is an entry in ClinVar:

NM_007129.5(ZIC2):c.1399_1413del (p.Ala467_Val471del)

Genes: ZIC2 (Zic family zinc finger 2; plus strand), LOC110008580 (Zic family member 2 polyalanine repeat instability region; plus strand). Cytogenetic location: 13q32.3.
Variant type: Deletion.
Coding change: c.1399_1413del on transcript NM_007129.5 (MANE Select); coding-DNA positions 1399 to 1413, 15 bases deleted (GCGGCGGCCGCGGTG).
Protein change: p.Ala467_Val471del.
Molecular consequence: inframe deletion.
Genome position (GRCh38, 1-based): chr13:99,985,482-99,985,496, GCGGCGGCCGCGGTG deleted; deleting any 15 consecutive bases within chr13:99,985,481-99,985,496 gives the same sequence; the c. name uses the placement nearest the transcript's 3' end. VCF-style (leftmost placement, unchanged base first): chr13-99985480-CGGCGGCGGCCGCGGT-C. GRCh37 (hg19) VCF-style: chr13-100637734-CGGCGGCGGCCGCGGT-C.
Identifiers: ClinVar variation 1438382 (VCV001438382.8), dbSNP rs756597502, ClinGen allele CA7033000.
Genomic context (GRCh38, chr13:99,985,480, plus strand): 5'-AGCCCCAGAGCAGCTCCAACCTGTCCCCAGCGGCGGCGGCAGCGGCGGCGGCGGCTGCGG[CGGCGGCGGCCGCGGT>C]GTCCGCGGTGCACCGGGGCGGAGGCTCGGGCAGTGGCGGCGCGGGAGGCGGCTCAGGCGG-3'

ClinVar aggregate classification (germline): Uncertain significance (1 of 4 stars; one submission).

Conditions:
Holoprosencephaly 5 (HPE5). Identifiers: Orphanet 2162, MedGen C1864827, MONDO:0012322, OMIM 609637.

Submission:

Labcorp Genetics (formerly Invitae), Labcorp
Classification: Uncertain significance for Holoprosencephaly 5. Last evaluated: 2026-01-12. Review status: criteria provided, single submitter. Criteria: Invitae Variant Classification Sherloc (09022015). Collection method: clinical testing. Allele origin: germline.
Comment: This variant, c.1399_1413del, results in the deletion of 5 amino acid(s) of the ZIC2 protein (p.Ala467_Val471del), but otherwise preserves the integrity of the reading frame. The frequency data for this variant in the population databases is considered unreliable, as metrics indicate poor data quality at this position in the gnomAD database. This variant has not been reported in the literature in individuals affected with ZIC2-related conditions. ClinVar contains an entry for this variant (Variation ID: 1438382). Experimental studies and prediction algorithms are not available or were not evaluated, and the functional significance of this variant is currently unknown. In summary, the available evidence is currently insufficient to determine the role of this variant in disease. Therefore, it has been classified as a Variant of Uncertain Significance.